The following is an entry in ClinVar:

ClinVar aggregate classification (germline): Likely benign. Review status: criteria provided, multiple submitters, no conflicts (2 of 4 stars). 2 submissions from 2 submitters: Likely benign (2). Last evaluated 2026-07-08.

Conditions:
SLC4A11-related disorder. Also called: SLC4A11-related condition.

Allele frequency attached by ClinVar (database versions not stated): gnomAD 0.00004 and 0.00006; TOPMed 0.00007; ExAC 0.00003; gnomAD exomes 0.00003 and below 0.00001; ESP Exome Variant Server 0.00015.
gnomAD v4.1: 12 of 1,610,748 alleles (0.00074%); highest among the groups gnomAD compares: African/African-American, 0.013%; no homozygotes.

Submissions (2):

PreventionGenetics, part of Exact Sciences
Classification: Likely benign for SLC4A11-related condition. Last evaluated: 2026-07-08. Review status: criteria provided, single submitter. Criteria: ACMG Guidelines, 2015. Collection method: clinical testing. Allele origin: germline.
Comment: This variant is classified as likely benign based on ACMG/AMP sequence variant interpretation guidelines (Richards et al. 2015 PMID: 25741868, with internal and published modifications).

Labcorp Genetics (formerly Invitae), Labcorp
Classification: Likely benign. Last evaluated: 2024-01-16. Review status: criteria provided, single submitter. Criteria: Invitae Variant Classification Sherloc (09022015). Collection method: clinical testing. Allele origin: germline.

NM_001174089.2(SLC4A11):c.1954C>T (p.Leu652=)

Gene: SLC4A11 (solute carrier family 4 member 11; minus strand). Cytogenetic location: 20p13.
Variant type: single nucleotide variant.
Coding change: c.1954C>T on transcript NM_001174089.2 (MANE Select); coding-DNA position 1954, C replaced by T.
Protein change: p.Leu652=; no amino-acid change (leucine 652 retained).
Molecular consequence: synonymous variant. On other transcripts: non-coding transcript variant (1).
Genome position (GRCh38, 1-based): chr20:3,229,159, G>A on the plus strand (C>T on the coding strand, the complement: SLC4A11 is on the minus strand). VCF-style: chr20-3229159-G-A. GRCh37 (hg19) VCF-style: chr20-3209805-G-A.
Other names: c.2083C>T, p.Leu695= (NM_001174090.2); c.1840C>T, p.Leu614= (NM_001363745.2); c.2002C>T, p.Leu668= (NM_032034.4); c.2002C>T (NM_032034.3).
Identifiers: ClinVar variation 1528287 (VCV001528287.9), dbSNP rs143520364, ClinGen allele CA9741658.